The following is an entry in ClinVar:

ClinVar aggregate classification (germline): Benign. Review status: criteria provided, multiple submitters, no conflicts (2 of 4 stars). 3 submissions from 3 submitters: Benign (3). Last evaluated 2024-02-01.

Allele frequency attached by ClinVar (database versions not stated): 1000 Genomes Project 30x 0.00375; 1000 Genomes Project 0.00379; TOPMed 0.00626; gnomAD 0.00684 and 0.00687; gnomAD exomes 0.00698; ExAC 0.00719; ESP Exome Variant Server 0.00730.
gnomAD v4.1: 14,789 of 1,613,900 alleles (0.92%); highest among the groups gnomAD compares: Non-Finnish European, 1.1%; 81 homozygotes.

Submissions (3):

CeGaT Center for Human Genetics Tuebingen
Classification: Benign. Last evaluated: 2024-02-01. Review status: criteria provided, single submitter. Criteria: CeGaT Center For Human Genetics Tuebingen Variant Classification Criteria Version 2. Collection method: clinical testing. Allele origin: germline. Affected: yes. Observed: 1 variant allele.
Comment: ATP1B1: BP4, BP7, BS1, BS2

Labcorp Genetics (formerly Invitae), Labcorp
Classification: Benign. Last evaluated: 2019-12-31. Review status: criteria provided, single submitter. Criteria: Invitae Variant Classification Sherloc (09022015). Collection method: clinical testing. Allele origin: germline.

Breakthrough Genomics
Classification: Benign. Review status: criteria provided, single submitter. Criteria: ACMG Guidelines, 2015. Collection method: not provided. Allele origin: germline. Inheritance: Multifactorial inheritance. Affected: yes.

NM_001677.4(ATP1B1):c.321G>A (p.Arg107=)

Gene: ATP1B1 (ATPase Na+/K+ transporting subunit beta 1; plus strand). Cytogenetic location: 1q24.2.
Variant type: single nucleotide variant.
Coding change: c.321G>A on transcript NM_001677.4 (MANE Select); coding-DNA position 321, G replaced by A.
Protein change: p.Arg107=; no amino-acid change (arginine 107 retained).
Molecular consequence: synonymous variant.
Genome position (GRCh38, 1-based): chr1:169,124,978, G>A. VCF-style: chr1-169124978-G-A. GRCh37 (hg19) VCF-style: chr1-169094216-G-A.
Identifiers: ClinVar variation 769250 (VCV000769250.27), dbSNP rs61742560, ClinGen allele CA1231531.
Genomic context (GRCh38, chr1:169,124,978, plus strand): 5'-AATTTCCTTTCGTCCTAATGATCCCAAGAGCTATGAGGCATATGTACTGAACATAGTTAG[G>A]TTCCTGGAAAAGTACAAAGATTCAGCCCAGAGGGATGACATGATTTTTGAAGATTGTGGC-3'
Protein context (NP_001668.1, residues 97-117): SYEAYVLNIV[Arg107=]FLEKYKDSAQ